The following is an entry in ClinVar:

NM_001519.4(BRF1):c.635A>G (p.Gln212Arg)

Gene: BRF1 (BRF1 general transcription factor IIIB subunit; minus strand). Cytogenetic location: 14q32.33.
Variant type: single nucleotide variant.
Coding change: c.635A>G on transcript NM_001519.4 (MANE Select); coding-DNA position 635, A replaced by G.
Protein change: p.Gln212Arg; replaces glutamine 212 with arginine.
Molecular consequence: missense variant. On other transcripts: intron variant (1).
Genome position (GRCh38, 1-based): chr14:105,241,324, T>C on the plus strand (A>G on the coding strand, the complement: BRF1 is on the minus strand). VCF-style: chr14-105241324-T-C. GRCh37 (hg19) VCF-style: chr14-105707661-T-C.
Other names: c.290A>G, p.Gln97Arg (NM_001242786.2, NM_001242787.2); c.554A>G, p.Gln185Arg (NM_001242788.2); c.23A>G, p.Gln8Arg (NM_145685.3); c.-21+7825A>G (NM_001242789.2); short protein forms Q185R, Q212R, Q8R, Q97R.
Identifiers: ClinVar variation 3772126 (VCV003772126.13).
Genomic context (GRCh38, chr14:105,241,324, plus strand): 5'-CCTGCTCCGCAGAGGCCCGAGGGGCGCCGGCCTGTGTGCATCCAGTCCCGCTTCATCCTC[T>C]GTAGGAGCCTCAGGGCAGTCATGGACACCTCGTGGTTCTTCTCCCCGAATTCCAGCAGGT-3'
Protein context (NP_001510.2, residues 202-222): EVSMTALRLL[Gln212Arg]RMKRDWMHTG

ClinVar aggregate classification (germline): Uncertain significance (1 of 4 stars; one submission).

Submission:

CeGaT Center for Human Genetics Tuebingen
Classification: Uncertain significance. Last evaluated: 2024-12-01. Review status: criteria provided, single submitter. Criteria: CeGaT Center For Human Genetics Tuebingen Variant Classification Criteria Version 2. Collection method: clinical testing. Allele origin: germline. Affected: yes. Observed: 1 variant allele.
Comment: BRF1: PM2